The following is an entry in ClinVar:

NM_032608.7(MYO18B):c.6319G>A (p.Gly2107Ser)

Gene: MYO18B (myosin XVIIIB; plus strand). Cytogenetic location: 22q12.1.
Variant type: single nucleotide variant.
Coding change: c.6319G>A on transcript NM_032608.7 (MANE Select); coding-DNA position 6319, G replaced by A.
Protein change: p.Gly2107Ser; replaces glycine 2107 with serine.
Molecular consequence: missense variant.
Genome position (GRCh38, 1-based): chr22:26,003,296, G>A. VCF-style: chr22-26003296-G-A. GRCh37 (hg19) VCF-style: chr22-26399262-G-A.
Other names: c.6322G>A, p.Gly2108Ser (NM_001318245.2); c.6319G>A (NM_032608.5); short protein forms G2107S, G2108S.
Identifiers: ClinVar variation 1525832 (VCV001525832.7), dbSNP rs772230737, ClinGen allele CA10161485.

ClinVar aggregate classification (germline): Conflicting classifications of pathogenicity. Review status: criteria provided, conflicting classifications (1 of 4 stars). 3 submissions from 3 submitters: Uncertain significance (2); Likely benign (1). Last evaluated 2025-03-23.

Conditions:
Inborn genetic diseases. Identifiers: MedGen C0950123, MeSH D030342.

Allele frequency attached by ClinVar (database versions not stated): ExAC 0.00003.
gnomAD v4.1: 24 of 1,607,796 alleles (0.0015%); highest among the groups gnomAD compares: South Asian, 0.0033%; no homozygotes.

Submissions (3):

Ambry Genetics
Classification: Uncertain significance for Inborn genetic diseases. Last evaluated: 2025-03-23. Review status: criteria provided, single submitter. Criteria: Ambry Variant Classification Scheme 2023. Collection method: clinical testing. Allele origin: germline.

Blueprint Genetics
Classification: Likely benign. Last evaluated: 2023-10-09. Review status: criteria provided, single submitter. Criteria: ACMG Guidelines, 2015. Collection method: clinical testing. Allele origin: germline.

Labcorp Genetics (formerly Invitae), Labcorp
Classification: Uncertain significance. Last evaluated: 2022-07-27. Review status: criteria provided, single submitter. Criteria: Invitae Variant Classification Sherloc (09022015). Collection method: clinical testing. Allele origin: germline.
Comment: This sequence change replaces glycine, which is neutral and non-polar, with serine, which is neutral and polar, at codon 2107 of the MYO18B protein (p.Gly2107Ser). The frequency data for this variant in the population databases is considered unreliable, as metrics indicate poor data quality at this position in the gnomAD database. This variant has not been reported in the literature in individuals affected with MYO18B-related conditions. ClinVar contains an entry for this variant (Variation ID: 1525832). Algorithms developed to predict the effect of missense changes on protein structure and function output the following: SIFT: "Not Available"; PolyPhen-2: "Benign"; Align-GVGD: "Not Available". The serine amino acid residue is found in multiple mammalian species, which suggests that this missense change does not adversely affect protein function. In summary, the available evidence is currently insufficient to determine the role of this variant in disease. Therefore, it has been classified as a Variant of Uncertain Significance.